The following is an entry in ClinVar:

ClinVar aggregate classification (germline): Pathogenic. Review status: criteria provided, single submitter (1 of 4 stars). 2 submissions from 2 submitters: Pathogenic (1). 1 of the submissions does not count toward it. Last evaluated 2021-04-06.

Conditions:
Neuronal ceroid lipofuscinosis. Also called: Neuronal Ceroid Lipofuscinoses. Identifiers: Orphanet 216, Orphanet 79263, MedGen C0027877, MONDO:0016295. Disease mechanism: loss of function.
Neuronal ceroid lipofuscinosis 8 (CLN8). Also called: CLN8-Related Neuronal Ceroid-Lipofuscinosis. Identifiers: Orphanet 168491, Orphanet 228354, Orphanet 79264, MedGen C1838570, MONDO:0010830, OMIM 600143.

Allele frequency attached by ClinVar (database versions not stated): ExAC 0.00001; gnomAD 0.00001.

Submissions (2):

Labcorp Genetics (formerly Invitae), Labcorp
Classification: Pathogenic for Neuronal ceroid lipofuscinosis. Last evaluated: 2021-04-06. Review status: criteria provided, single submitter. Criteria: Invitae Variant Classification Sherloc (09022015). Collection method: clinical testing. Allele origin: germline.
Comment: This sequence change creates a premature translational stop signal (p.Lys95*) in the CLN8 gene. It is expected to result in an absent or disrupted protein product. Loss-of-function variants in CLN8 are known to be pathogenic (PMID: 15024724). The frequency data for this variant in the population databases is considered unreliable, as metrics indicate poor data quality at this position in the ExAC database. For these reasons, this variant has been classified as Pathogenic. This variant has not been reported in the literature in individuals with CLN8-related conditions. ClinVar contains an entry for this variant (Variation ID: 555198).

Counsyl
Classification: Likely pathogenic for Neuronal ceroid lipofuscinosis 8. Last evaluated: 2017-11-29. Review status: no assertion criteria provided. Collection method: clinical testing. Allele origin: unknown. Not counted in ClinVar's aggregate classification.

Literature cited by the submitters: PubMed 15024724 (cited by Labcorp Genetics (formerly Invitae), Labcorp).

NM_018941.4(CLN8):c.283A>T (p.Lys95Ter)

Gene: CLN8 (CLN8 transmembrane ER and ERGIC protein; plus strand). Cytogenetic location: 8p23.3.
Variant type: single nucleotide variant.
Coding change: c.283A>T on transcript NM_018941.4 (MANE Select); coding-DNA position 283, A replaced by T.
Protein change: p.Lys95Ter; replaces lysine 95 with a stop codon.
Molecular consequence: nonsense.
Genome position (GRCh38, 1-based): chr8:1,771,337, A>T. VCF-style: chr8-1771337-A-T. GRCh37 (hg19) VCF-style: chr8-1719503-A-T.
Other names: short protein forms K95*.
Identifiers: ClinVar variation 555198 (VCV000555198.8), dbSNP rs759830733, ClinGen allele CA4599239.